The following is an entry in ClinVar:

ClinVar aggregate classification (germline): Likely benign (0 of 4 stars; one submission).

Conditions:
EP300-related disorder. Also called: EP300-related condition; EP300-related disorders.

gnomAD v4.1: 1 of 1,608,386 alleles (0.000062%); highest among the groups gnomAD compares: Admixed American, 0.0017%; no homozygotes.

Submission:

PreventionGenetics, part of Exact Sciences
Classification: Likely benign for EP300-related condition. Last evaluated: 2024-02-26. Review status: no assertion criteria provided. Collection method: clinical testing. Allele origin: germline.
Comment: This variant is classified as likely benign based on ACMG/AMP sequence variant interpretation guidelines (Richards et al. 2015 PMID: 25741868, with internal and published modifications).

NM_001429.4(EP300):c.4453-10G>A

Gene: EP300 (E1A binding protein p300; plus strand). Cytogenetic location: 22q13.2.
Variant type: single nucleotide variant.
Coding change: c.4453-10G>A on transcript NM_001429.4 (MANE Select); 10 bases into the intron before coding-DNA position 4453, G replaced by A.
Molecular consequence: intron variant.
Genome position (GRCh38, 1-based): chr22:41,172,489, G>A. VCF-style: chr22-41172489-G-A. GRCh37 (hg19) VCF-style: chr22-41568493-G-A.
Other names: c.4375-10G>A (NM_001362843.2).
Identifiers: ClinVar variation 3349454 (VCV003349454.1).